The following is an entry in ClinVar:

ClinVar aggregate classification (germline): Uncertain significance (1 of 4 stars; one submission).

Conditions:
Neurodevelopmental disorder. Identifiers: MedGen C1535926, MeSH D065886, MONDO:0700092.

gnomAD v4.1: 1 of 1,613,702 alleles (0.000062%); highest among the groups gnomAD compares: Non-Finnish European, 0.000085%; no homozygotes.

Submission:

Victorian Clinical Genetics Services, Murdoch Childrens Research Institute
Classification: Uncertain significance for Neurodevelopmental disorder. Last evaluated: 2024-10-08. Review status: criteria provided, single submitter. Criteria: ACMG Guidelines, 2015. Collection method: clinical testing. Allele origin: germline. Inheritance: Autosomal dominant inheritance. Affected: yes.
Comment: Based on the classification scheme VCGS_Germline_v1.3.4, this variant is classified as VUS-3B. Following criteria are met: 0105 - The mechanism of disease for this gene is not clearly established. However, the expression of human disease-causing variants did not rescue the various phenotypes observed in a knock-out animal model. Therefore, ruling out gain-of-function as a disease mechanism (PMID: 33980485). (I) 0107 - This gene is associated with autosomal dominant disease. (I) 0200 - Variant is predicted to result in a missense amino acid change from serine to leucine. (I) 0251 - This variant is heterozygous. (I) 0301 - Variant is absent from gnomAD (both v2 and v3). (SP) 0501 - Missense variant consistently predicted to be damaging by multiple in silico tools or highly conserved with a major amino acid change. (SP) 0600 - Variant is located in the annotated SNF2-related domain (DECIPHER). (I) 0705 - No comparable missense variants have previous evidence for pathogenicity. (I) 0807 - This variant has no previous evidence of pathogenicity. (I) 0905 - No published segregation evidence has been identified for this variant. (I) 1007 - No published functional evidence has been identified for this variant. (I) 1208 - Inheritance information for this variant is not currently available in this individual. (I) Legend: (SP) - Supporting pathogenic, (I) - Information, (SB) - Supporting benign

Literature cited by the submitters: PubMed 33980485.

NM_003601.4(SMARCA5):c.1310C>T (p.Ser437Leu)

Gene: SMARCA5 (SNF2 related chromatin remodeling ATPase 5; plus strand). Cytogenetic location: 4q31.21.
Variant type: single nucleotide variant.
Coding change: c.1310C>T on transcript NM_003601.4 (MANE Select); coding-DNA position 1310, C replaced by T.
Protein change: p.Ser437Leu; replaces serine 437 with leucine.
Molecular consequence: missense variant.
Genome position (GRCh38, 1-based): chr4:143,536,493, C>T. VCF-style: chr4-143536493-C-T. GRCh37 (hg19) VCF-style: chr4-144457646-C-T.
Other names: short protein forms S437L.
Identifiers: ClinVar variation 3377106 (VCV003377106.1).